The following is an entry in ClinVar:

NM_025179.4(PLXNA2):c.2488C>T (p.Arg830Cys)

Gene: PLXNA2 (plexin A2; minus strand). Cytogenetic location: 1q32.2.
Variant type: single nucleotide variant.
Coding change: c.2488C>T on transcript NM_025179.4 (MANE Select); coding-DNA position 2488, C replaced by T.
Protein change: p.Arg830Cys; replaces arginine 830 with cysteine.
Molecular consequence: missense variant.
Genome position (GRCh38, 1-based): chr1:208,079,358, G>A on the plus strand (C>T on the coding strand, the complement: PLXNA2 is on the minus strand). VCF-style: chr1-208079358-G-A. GRCh37 (hg19) VCF-style: chr1-208252703-G-A.
Other names: short protein forms R830C.
Identifiers: ClinVar variation 3354226 (VCV003354226.1).

ClinVar aggregate classification (germline): Uncertain significance (0 of 4 stars; one submission).

Conditions:
PLXNA2-related disorder. Also called: PLXNA2-related condition.

gnomAD v4.1: 8 of 1,612,730 alleles (0.0005%); highest among the groups gnomAD compares: South Asian, 0.0022%; no homozygotes.

Submission:

PreventionGenetics, part of Exact Sciences
Classification: Uncertain significance for PLXNA2-related condition. Last evaluated: 2024-08-06. Review status: no assertion criteria provided. Collection method: clinical testing. Allele origin: germline.
Comment: The PLXNA2 c.2488C>T variant is predicted to result in the amino acid substitution p.Arg830Cys. To our knowledge, this variant has not been reported in the literature. This variant is reported in 0.0033% of alleles in individuals of South Asian descent in gnomAD. At this time, the clinical significance of this variant is uncertain due to the absence of conclusive functional and genetic evidence.